The following is an entry in ClinVar:

ClinVar aggregate classification (germline): Likely benign. Review status: criteria provided, multiple submitters, no conflicts (2 of 4 stars). 3 submissions from 3 submitters: Likely benign (3). Last evaluated 2025-04-01.

Submissions (3):

CeGaT Center for Human Genetics Tuebingen
Classification: Likely benign. Last evaluated: 2025-04-01. Review status: criteria provided, single submitter. Criteria: CeGaT Center For Human Genetics Tuebingen Variant Classification Criteria Version 2. Collection method: clinical testing. Allele origin: germline. Affected: yes. Observed: 1 variant allele.
Comment: RINT1: PM2:Supporting, BP4, BP7

Labcorp Genetics (formerly Invitae), Labcorp
Classification: Likely benign. Last evaluated: 2023-11-16. Review status: criteria provided, single submitter. Criteria: Invitae Variant Classification Sherloc (09022015). Collection method: clinical testing. Allele origin: germline.

Ambry Genetics
Classification: Likely benign. Last evaluated: 2020-11-25. Review status: criteria provided, single submitter. Criteria: Ambry Variant Classification Scheme 2023. Collection method: clinical testing. Allele origin: germline.

NM_021930.6(RINT1):c.780C>T (p.Ala260=)

Gene: RINT1 (RAD50 interactor 1; plus strand). Cytogenetic location: 7q22.3.
Variant type: single nucleotide variant.
Coding change: c.780C>T on transcript NM_021930.6 (MANE Select); coding-DNA position 780, C replaced by T.
Protein change: p.Ala260=; no amino-acid change (alanine 260 retained).
Molecular consequence: synonymous variant. On other transcripts: 5 prime UTR variant (2), non-coding transcript variant (1), intron variant (1).
Genome position (GRCh38, 1-based): chr7:105,547,274, C>T. VCF-style: chr7-105547274-C-T. GRCh37 (hg19) VCF-style: chr7-105187721-C-T.
Other names: c.546C>T, p.Ala182= (NM_001346599.2); c.-240C>T (NM_001346600.2); c.-143C>T (NM_001346601.2); c.-27-2781C>T (NM_001346603.2).
Identifiers: ClinVar variation 1141891 (VCV001141891.18), dbSNP rs902857526, ClinGen allele CA164055499.
Genomic context (GRCh38, chr7:105,547,274, plus strand): 5'-TTGGCCATTCATCGCACCCCCTCAATCACAAACTGTTGGCTTAAGTCGACCTGCCAGTGC[C>T]CCGGAGATATACAGTTACCTGGAGACACTGTTTTGTCAGCTTTTGAAACTACAAACCTCG-3'
Protein context (NP_068749.3, residues 250-270): QTVGLSRPAS[Ala260=]PEIYSYLETL